The following is an entry in ClinVar:

ClinVar aggregate classification (germline): Conflicting classifications of pathogenicity. Review status: criteria provided, conflicting classifications (1 of 4 stars). 10 submissions from 10 submitters: Uncertain significance (5); Likely benign (3). 2 of the submissions do not count toward it. Last evaluated 2026-03-01.

Conditions:
PEX10-related disorder. Also called: PEX10-related condition.
Zellweger spectrum disorders (ZS). Also called: Zellweger Spectrum Disorder; Zellweger Spectrum; Zellweger syndrome; Zellweger Spectrum Disorder (ZSD). Identifiers: Orphanet 912, MedGen C0043459, MONDO:0019609.
Peroxisome biogenesis disorder 6A (Zellweger). Also called: Peroxisome biogenesis disorder 6A. Identifiers: Orphanet 912, MedGen C3553947, MONDO:0013936, OMIM 614870.
Peroxisome biogenesis disorder 6B (PBD6B). Identifiers: Orphanet 44, MedGen C3553948, MONDO:0013937, OMIM 614871.
Peroxisome biogenesis disorder, complementation group 7 (CG7). Also called: Peroxisome biogenesis disorder, complementation group B. Identifiers: MedGen C1864399.

Allele frequency attached by ClinVar (database versions not stated): ESP Exome Variant Server 0.00100; TOPMed 0.00158; gnomAD 0.00172; 1000 Genomes Project 0.00180; 1000 Genomes Project 30x 0.00203.
gnomAD v4.1: 1,853 of 1,610,650 alleles (0.12%); highest among the groups gnomAD compares: Middle Eastern, 0.79%; 4 homozygotes.

Submissions (10):

CeGaT Center for Human Genetics Tuebingen
Classification: Likely benign. Last evaluated: 2026-03-01. Review status: criteria provided, single submitter. Criteria: CeGaT Center For Human Genetics Tuebingen Variant Classification Criteria Version 2. Collection method: clinical testing. Allele origin: germline. Affected: yes. Observed: 1 variant allele.
Comment: PEX10: BP4, BS2

Labcorp Genetics (formerly Invitae), Labcorp
Classification: Likely benign for Peroxisome biogenesis disorder, complementation group 7. Last evaluated: 2026-02-02. Review status: criteria provided, single submitter. Criteria: Invitae Variant Classification Sherloc (09022015). Collection method: clinical testing. Allele origin: germline.

Blueprint Genetics
Classification: Likely benign. Last evaluated: 2024-10-28. Review status: criteria provided, single submitter. Criteria: ACMG Guidelines, 2015. Collection method: clinical testing. Allele origin: germline.

Mayo Clinic Laboratories, Mayo Clinic
Classification: Uncertain significance. Last evaluated: 2023-07-19. Review status: criteria provided, single submitter. Criteria: ACMG Guidelines, 2015. Collection method: clinical testing. Allele origin: germline. Observed: 2 variant alleles.
Comment: BS1

Genome-Nilou Lab
Classification: Uncertain significance for Peroxisome biogenesis disorder 6A (Zellweger). Last evaluated: 2021-05-18. Review status: criteria provided, single submitter. Criteria: ACMG Guidelines, 2015. Collection method: clinical testing. Allele origin: germline. Affected: no.

Fulgent Genetics
Classification: Uncertain significance for Peroxisome biogenesis disorder 6A (Zellweger); Peroxisome biogenesis disorder 6B. Last evaluated: 2018-10-31. Review status: criteria provided, single submitter. Criteria: ACMG Guidelines, 2015. Collection method: clinical testing. Allele origin: unknown.

Eurofins Ntd Llc (ga)
Classification: Uncertain significance. Last evaluated: 2018-09-18. Review status: criteria provided, single submitter. Criteria: EGL ClinVar v180209 classification definitions. Collection method: clinical testing. Allele origin: germline. Observed: 11 variant alleles, 11 heterozygotes.

Illumina Laboratory Services, Illumina
Classification: Uncertain significance for Peroxisome biogenesis disorder 6A (Zellweger). Last evaluated: 2018-01-13. Review status: criteria provided, single submitter. Criteria: ICSL Variant Classification Criteria 13 December 2019. Collection method: clinical testing. Allele origin: germline.

PreventionGenetics, part of Exact Sciences
Classification: Likely benign for PEX10-related condition. Last evaluated: 2022-03-30. Review status: no assertion criteria provided. Collection method: clinical testing. Allele origin: germline. Not counted in ClinVar's aggregate classification.
Comment: This variant is classified as likely benign based on ACMG/AMP sequence variant interpretation guidelines (Richards et al. 2015 PMID: 25741868, with internal and published modifications).

Natera, Inc.
Classification: Likely benign for Zellweger syndrome. Last evaluated: 2019-11-11. Review status: no assertion criteria provided. Collection method: clinical testing. Allele origin: germline. Not counted in ClinVar's aggregate classification.

NM_002617.4(PEX10):c.712G>C (p.Gly238Arg)

Gene: PEX10 (peroxisomal biogenesis factor 10; minus strand). Cytogenetic location: 1p36.32.
Variant type: single nucleotide variant.
Coding change: c.712G>C on transcript NM_002617.4 (MANE Select); coding-DNA position 712, G replaced by C.
Protein change: p.Gly238Arg; replaces glycine 238 with arginine.
Molecular consequence: missense variant. On other transcripts: non-coding transcript variant (1).
Genome position (GRCh38, 1-based): chr1:2,406,784, C>G on the plus strand (G>C on the coding strand, the complement: PEX10 is on the minus strand). VCF-style: chr1-2406784-C-G. GRCh37 (hg19) VCF-style: chr1-2338223-C-G.
Other names: p.Gly258Arg; c.769G>C, p.Gly257Arg (NM_001374425.1); c.337G>C, p.Gly113Arg (NM_001374426.1); c.280G>C, p.Gly94Arg (NM_001374427.1); c.772G>C, p.Gly258Arg (NM_153818.2); short protein forms G258R, G238R, G113R, G257R, G94R.
Identifiers: ClinVar variation 197385 (VCV000197385.29), dbSNP rs61736380, ClinGen allele CA245491.